The following is an entry in ClinVar:

ClinVar aggregate classification (germline): Conflicting classifications of pathogenicity. Review status: criteria provided, conflicting classifications (1 of 4 stars). 3 submissions from 3 submitters: Uncertain significance (1); Likely benign (2). Last evaluated 2025-11-16.

Conditions:
Brugada syndrome. Also called: Sudden unexplained nocturnal death syndrome; Sudden Unexplained Death Syndrome; Sudden Unexplained Nocturnal Death Syndrome (SUNDS); Sudden unexpected nocturnal death syndrome. Identifiers: Orphanet 130, MedGen C1142166, MONDO:0015263.

Allele frequency attached by ClinVar (database versions not stated): gnomAD 0.00008; 1000 Genomes Project 0.00020; TOPMed 0.00009; ESP Exome Variant Server 0.00015; 1000 Genomes Project 30x 0.00016; gnomAD exomes 0.00018; ExAC 0.00019.

Submissions (3):

Ambry Genetics
Classification: Uncertain significance. Last evaluated: 2025-11-16. Review status: criteria provided, single submitter. Criteria: Ambry Variant Classification Scheme 2023. Collection method: clinical testing. Allele origin: germline.
Comment: The p.R672W variant (also known as c.2014C>T), located in coding exon 18 of the SLMAP gene, results from a C to T substitution at nucleotide position 2014. The arginine at codon 672 is replaced by tryptophan, an amino acid with dissimilar properties. This amino acid position is conserved. In addition, the in silico prediction for this alteration is inconclusive. Since supporting evidence is limited at this time, the clinical significance of this alteration remains unclear.

Labcorp Genetics (formerly Invitae), Labcorp
Classification: Likely benign for Brugada syndrome. Last evaluated: 2025-10-05. Review status: criteria provided, single submitter. Criteria: Invitae Variant Classification Sherloc (09022015). Collection method: clinical testing. Allele origin: germline.

Women's Health and Genetics/Laboratory Corporation of America, LabCorp
Classification: Likely benign. Last evaluated: 2024-02-19. Review status: criteria provided, single submitter. Criteria: LabCorp Variant Classification Summary - May 2015. Collection method: clinical testing. Allele origin: germline.

NM_001377540.1(SLMAP):c.2116C>T (p.Arg706Trp)

Gene: SLMAP (sarcolemma associated protein; plus strand). Cytogenetic location: 3p14.3.
Variant type: single nucleotide variant.
Coding change: c.2116C>T on transcript NM_001377540.1 (MANE Select); coding-DNA position 2116, C replaced by T.
Protein change: p.Arg706Trp; replaces arginine 706 with tryptophan.
Molecular consequence: missense variant. On other transcripts: non-coding transcript variant (1).
Genome position (GRCh38, 1-based): chr3:57,913,253, C>T. VCF-style: chr3-57913253-C-T. GRCh37 (hg19) VCF-style: chr3-57898980-C-T.
Other names: c.2065C>T, p.Arg689Trp (NM_001304420.3, NM_001377541.1, NM_001377542.1); c.1951C>T, p.Arg651Trp (NM_001304421.2, NM_001377557.1, NM_001377559.1); c.667C>T, p.Arg223Trp (NM_001304422.3, NM_001311178.2); c.469C>T, p.Arg157Trp (NM_001304423.3); c.544C>T, p.Arg182Trp (NM_001311179.2, NM_001377926.1, NM_001377927.1 and 1 more transcripts); c.2137C>T, p.Arg713Trp (NM_001377538.1); c.2116C>T, p.Arg706Trp (NM_001377539.1); c.2053C>T, p.Arg685Trp (NM_001377545.1); and 8 more; short protein forms R223W, R157W, R182W, R689W, R651W, R672W, R610W, R627W.
Identifiers: ClinVar variation 696847 (VCV000696847.11), dbSNP rs188700768, ClinGen allele CA2467294.
Genomic context (GRCh38, chr3:57,913,253, plus strand): 5'-TTGGAAACCGAATGCCATTCTCTAAAAAGGGAAAATGTTTTGCTATCATCAGAACTGCAA[C>T]GGCAAGAAAAAGAATTGCACAAGTATGCAAGAACTCTCTGTTTTTCAGATATAAAATATT-3'
Protein context (NP_001364469.1, residues 696-716): ENVLLSSELQ[Arg706Trp]QEKELHNSQK